The following is an entry in ClinVar:

NM_007294.4(BRCA1):c.2357T>C (p.Leu786Pro)

Gene: BRCA1 (BRCA1 DNA repair associated; minus strand). Cytogenetic location: 17q21.31.
Variant type: single nucleotide variant.
Coding change: c.2357T>C on transcript NM_007294.4 (MANE Select); coding-DNA position 2357, T replaced by C.
Protein change: p.Leu786Pro; replaces leucine 786 with proline.
Molecular consequence: missense variant. On other transcripts: intron variant (137).
Genome position (GRCh38, 1-based): chr17:43,093,174, A>G on the plus strand (T>C on the coding strand, the complement: BRCA1 is on the minus strand). VCF-style: chr17-43093174-A-G. GRCh37 (hg19) VCF-style: chr17-41245191-A-G.
Other names: c.2144T>C, p.Leu715Pro (NM_001407571.1, NM_001407853.1, NM_001407894.1 and 9 more transcripts); c.2357T>C, p.Leu786Pro (NM_001407581.1, NM_001407582.1, NM_001407583.1 and 30 more transcripts); c.2354T>C, p.Leu785Pro (NM_001407587.1, NM_001407590.1, NM_001407591.1 and 22 more transcripts); c.2348T>C, p.Leu783Pro (NM_001407646.1, NM_001407647.1); c.2234T>C, p.Leu745Pro (NM_001407648.1, NM_001407664.1, NM_001407665.1 and 19 more transcripts); c.2231T>C, p.Leu744Pro (NM_001407649.1, NM_001407670.1, NM_001407671.1 and 11 more transcripts); c.2279T>C, p.Leu760Pro (NM_001407653.1, NM_001407654.1, NM_001407655.1 and 4 more transcripts); c.2276T>C, p.Leu759Pro (NM_001407659.1, NM_001407660.1, NM_001407661.1 and 1 more transcripts); and 41 more; short protein forms L786P, L739P, L675P, L745P, L783P, L715P, L718P, L719P.
Identifiers: ClinVar variation 630128 (VCV000630128.6), dbSNP rs760864137, ClinGen allele CA058626.

ClinVar aggregate classification (germline): Conflicting classifications of pathogenicity. Review status: criteria provided, conflicting classifications (1 of 4 stars). 2 submissions from 2 submitters: Uncertain significance (1); Likely benign (1). Last evaluated 2023-03-23.

Conditions:
Hereditary cancer-predisposing syndrome. Also called: Neoplastic Syndromes, Hereditary; Tumor predisposition; Hereditary neoplastic syndrome; Hereditary Cancer Syndrome. Identifiers: Orphanet 140162, MedGen C0027672, MeSH D009386, MONDO:0015356.

Allele frequency attached by ClinVar (database versions not stated): gnomAD exomes below 0.00001; ExAC 0.00001.
gnomAD v4.1: 2 of 1,613,936 alleles (0.00012%); no homozygotes.

Submissions (2):

University of Washington Department of Laboratory Medicine, University of Washington
Classification: Likely benign for Hereditary cancer-predisposing syndrome. Last evaluated: 2023-03-23. Review status: criteria provided, single submitter. Criteria: Dines et al. (Genet Med. 2020). Collection method: curation. Allele origin: germline.
Comment: Missense variant in a coldspot region where missense variants are very unlikely to be pathogenic (PMID:31911673).

BRCA1 coldspot (exon 11 using historical exon numbering). Reclassification based on statistical prior probability

Color Diagnostics, LLC DBA Color Health
Classification: Uncertain significance for Hereditary cancer-predisposing syndrome. Last evaluated: 2019-04-07. Review status: criteria provided, single submitter. Criteria: ACMG Guidelines, 2015. Collection method: clinical testing. Allele origin: germline.